The following is an entry in ClinVar:

ClinVar aggregate classification (germline): Likely pathogenic (1 of 4 stars; one submission).

Conditions:
Exostoses, multiple, type 1 (EXT1). Also called: EXOSTOSES, MULTIPLE, TYPE I; Hereditary Multiple Osteochondromatosis, Type I. Identifiers: MedGen CN263289, MONDO:0007585, OMIM 133700.

Submission:

3billion
Classification: Likely pathogenic for Exostoses, multiple, type 1. Review status: criteria provided, single submitter. Criteria: ACMG Guidelines, 2015. Collection method: clinical testing. Allele origin: unknown. Affected: yes. Observed: 1 heterozygote.
Comment: The variant is not observed in the gnomAD v2.1.1 dataset. The variant is predicted to result in a loss or disruption of normal protein function through nonsense-mediated decay (NMD) or protein truncation. Multiple pathogenic variants are reported downstream of the variant. Therefore, this variant is classified as Likely pathogenic according to the recommendation of ACMG/AMP guideline.

NM_000127.3(EXT1):c.1702_1703dup (p.Val569fs)

Gene: EXT1 (exostosin glycosyltransferase 1; minus strand). Cytogenetic location: 8q24.11.
Variant type: Microsatellite.
Coding change: c.1702_1703dup on transcript NM_000127.3 (MANE Select); coding-DNA positions 1702 to 1703, 2 bases duplicated (AC; older notation c.1702_1703dupAC).
Protein change: p.Val569fs; shifts the reading frame from valine 569.
Molecular consequence: frameshift variant.
Genome position (GRCh38, 1-based): chr8:117,812,891-117,812,892, GT duplicated on the plus strand (AC on the coding strand, the reverse complement: EXT1 is on the minus strand); duplicating any 2 consecutive bases within chr8:117,812,891-117,812,894 gives the same sequence; the c. name uses the placement nearest the transcript's 3' end. VCF-style (leftmost placement, unchanged base first): chr8-117812890-C-CGT. GRCh37 (hg19) VCF-style: chr8-118825129-C-CGT.
Other names: short protein forms V569fs.
Identifiers: ClinVar variation 2572578 (VCV002572578.1), dbSNP rs2488096529, ClinGen allele CA2580617223.